The following is an entry in ClinVar:

NM_001203.3(BMPR1B):c.-17-52640A>G

Gene: BMPR1B (bone morphogenetic protein receptor type 1B; plus strand). Cytogenetic location: 4q22.3.
Variant type: single nucleotide variant.
Coding change: c.-17-52640A>G on transcript NM_001203.3 (MANE Select); 52640 bases into the intron before 17 bases upstream of the start codon, A replaced by G.
Molecular consequence: intron variant. On other transcripts: synonymous variant (1).
Genome position (GRCh38, 1-based): chr4:95,051,768, A>G. VCF-style: chr4-95051768-A-G. GRCh37 (hg19) VCF-style: chr4-95972919-A-G.
Other names: c.69A>G, p.Thr23= (NM_001256793.2); c.-17-52640A>G (NM_001256792.2).
Identifiers: ClinVar variation 3050330 (VCV003050330.3), dbSNP rs548015278, ClinGen allele CA102306190.
Genomic context (GRCh38, chr4:95,051,768, plus strand): 5'-GCTGGAAGAACTAAACTGGCAGCTTCACATTTTCTTGCTCATTCTTCTCTCTATGCACAC[A>G]AGGGGTAAGAAGATCAGTGCCCTCCACTACAGTGCTGATGGGGCTGAGTTAGAGTCTGAT-3'

ClinVar aggregate classification (germline): Likely benign. Review status: criteria provided, single submitter (1 of 4 stars). 2 submissions from 2 submitters: Likely benign (1). 1 of the submissions does not count toward it. Last evaluated 2024-10-21.

Conditions:
BMPR1B-related disorder. Also called: BMPR1B-related condition.

Allele frequency attached by ClinVar (database versions not stated): gnomAD exomes 0.00012; 1000 Genomes Project 30x 0.00078; 1000 Genomes Project 0.00080; gnomAD 0.00117; TOPMed 0.00148.
gnomAD v4.1: 351 of 1,535,400 alleles (0.023%); highest among the groups gnomAD compares: African/African-American, 0.41%; no homozygotes.

Submissions (2):

Blueprint Genetics
Classification: Likely benign. Last evaluated: 2024-10-21. Review status: criteria provided, single submitter. Criteria: ACMG Guidelines, 2015. Collection method: clinical testing. Allele origin: germline.

PreventionGenetics, part of Exact Sciences
Classification: Likely benign for BMPR1B-related condition. Last evaluated: 2019-03-16. Review status: no assertion criteria provided. Collection method: clinical testing. Allele origin: germline. Not counted in ClinVar's aggregate classification.
Comment: This variant is classified as likely benign based on ACMG/AMP sequence variant interpretation guidelines (Richards et al. 2015 PMID: 25741868, with internal and published modifications).